The following is an entry in ClinVar:

NM_000843.4(GRM6):c.2236del (p.Met746fs)

Genes: GRM6 (glutamate metabotropic receptor 6; minus strand), ZNF454 (zinc finger protein 454; plus strand). Cytogenetic location: 5q35.3.
Variant type: Deletion.
Coding change: c.2236del on transcript NM_000843.4 (MANE Select); coding-DNA position 2236, one base deleted (A; older notation c.2236delA).
Protein change: p.Met746fs; shifts the reading frame from methionine 746.
Molecular consequence: frameshift variant.
Genome position (GRCh38, 1-based): chr5:178,983,110, T deleted on the plus strand (A on the coding strand, the reverse complement: GRM6 is on the minus strand). VCF-style (leftmost placement, unchanged base first): chr5-178983109-AT-A. GRCh37 (hg19) VCF-style: chr5-178410110-AT-A.
Other names: short protein forms M746fs.
Identifiers: ClinVar variation 4776627 (VCV004776627.1).

ClinVar aggregate classification (germline): Pathogenic (1 of 4 stars; one submission).

Submission:

Labcorp Genetics (formerly Invitae), Labcorp
Classification: Pathogenic. Last evaluated: 2025-05-25. Review status: criteria provided, single submitter. Criteria: Invitae Variant Classification Sherloc (09022015). Collection method: clinical testing. Allele origin: germline.
Comment: This sequence change creates a premature translational stop signal (p.Met746Cysfs*75) in the GRM6 gene. While this is not anticipated to result in nonsense mediated decay, it is expected to disrupt the last 132 amino acid(s) of the GRM6 protein. This variant is present in population databases (no rsID available, gnomAD 0.007%). This variant has not been reported in the literature in individuals affected with GRM6-related conditions. This variant disrupts a region of the GRM6 protein in which other variant(s) (p.Gly756Asp) have been determined to be pathogenic (PMID: 22008250, 24715752, 26628857). This suggests that this is a clinically significant region of the protein, and that variants that disrupt it are likely to be disease-causing. For these reasons, this variant has been classified as Pathogenic.

Literature cited by the submitters: PubMed 22008250; PubMed 24715752; PubMed 26628857.